The following is an entry in ClinVar:

NM_001048174.2(MUTYH):c.725T>G (p.Val242Gly)

Gene: MUTYH (mutY DNA glycosylase; minus strand). Cytogenetic location: 1p34.1.
Variant type: single nucleotide variant.
Coding change: c.725T>G on transcript NM_001048174.2 (MANE Select); coding-DNA position 725, T replaced by G.
Protein change: p.Val242Gly; replaces valine 242 with glycine.
Molecular consequence: missense variant. On other transcripts: non-coding transcript variant (2).
Genome position (GRCh38, 1-based): chr1:45,332,290, A>C on the plus strand (T>G on the coding strand, the complement: MUTYH is on the minus strand). VCF-style: chr1-45332290-A-C. GRCh37 (hg19) VCF-style: chr1-45797962-A-C.
Other names: c.725T>G, p.Val242Gly (NM_001048171.2, NM_001048173.2, NM_001293195.2); c.728T>G, p.Val243Gly (NM_001048172.2); c.809T>G, p.Val270Gly (NM_001128425.2); c.770T>G, p.Val257Gly (NM_001293190.2); c.758T>G, p.Val253Gly (NM_001293191.2); c.449T>G, p.Val150Gly (NM_001293192.2, NM_001293196.2); c.380T>G, p.Val127Gly (NM_001350650.2, NM_001350651.2); c.800T>G, p.Val267Gly (NM_012222.3); short protein forms V270G, V150G, V253G, V257G, V267G, V127G, V243G, V242G.
Identifiers: ClinVar variation 492061 (VCV000492061.8), dbSNP rs1331273811, ClinGen allele CA340134688.

ClinVar aggregate classification (germline): Uncertain significance. Review status: criteria provided, multiple submitters, no conflicts (2 of 4 stars). 2 submissions from 2 submitters: Uncertain significance (2). Last evaluated 2025-09-20.

Conditions:
Hereditary cancer-predisposing syndrome. Also called: Hereditary neoplastic syndrome; Hereditary Cancer Syndrome; Neoplastic Syndromes, Hereditary; Tumor predisposition. Identifiers: Orphanet 140162, MedGen C0027672, MeSH D009386, MONDO:0015356.
Familial adenomatous polyposis 2. Also called: MYH-associated polyposis; COLORECTAL ADENOMATOUS POLYPOSIS, AUTOSOMAL RECESSIVE; ADENOMAS, MULTIPLE COLORECTAL, AUTOSOMAL RECESSIVE; MUTYH-related attenuated familial adenomatous polyposis; Adenomas, multiple colorectal; FAP type 2. Identifiers: Orphanet 220460, Orphanet 247798, MedGen C3272841, MONDO:0012041, OMIM 608456.

Submissions (2):

Labcorp Genetics (formerly Invitae), Labcorp
Classification: Uncertain significance for Familial adenomatous polyposis 2. Last evaluated: 2025-09-20. Review status: criteria provided, single submitter. Criteria: Invitae Variant Classification Sherloc (09022015). Collection method: clinical testing. Allele origin: germline.
Comment: This sequence change replaces valine, which is neutral and non-polar, with glycine, which is neutral and non-polar, at codon 270 of the MUTYH protein (p.Val270Gly). This variant is not present in population databases (gnomAD no frequency). This variant has not been reported in the literature in individuals affected with MUTYH-related conditions. ClinVar contains an entry for this variant (Variation ID: 492061). An algorithm developed to predict the effect of missense changes on protein structure and function (PolyPhen-2) suggests that this variant is likely to be disruptive. In summary, the available evidence is currently insufficient to determine the role of this variant in disease. Therefore, it has been classified as a Variant of Uncertain Significance.

Color Diagnostics, LLC DBA Color Health
Classification: Uncertain significance for Hereditary cancer-predisposing syndrome. Last evaluated: 2023-12-05. Review status: criteria provided, single submitter. Criteria: ACMG Guidelines, 2015. Collection method: clinical testing. Allele origin: germline.
Comment: This missense variant replaces valine with glycine at codon 270 of the MUTYH protein. Computational prediction suggests that this variant may have deleterious impact on protein structure and function (internally defined REVEL score threshold >= 0.7, PMID: 27666373). To our knowledge, functional studies have not been reported for this variant. This variant has not been reported in individuals affected with MUTYH-related disorders in the literature. This variant has not been identified in the general population by the Genome Aggregation Database (gnomAD). The available evidence is insufficient to determine the role of this variant in disease conclusively. Therefore, this variant is classified as a Variant of Uncertain Significance.